The following is an entry in ClinVar:

NM_001040142.2(SCN2A):c.2776C>G (p.His926Asp)

Gene: SCN2A (sodium voltage-gated channel alpha subunit 2; plus strand). Cytogenetic location: 2q24.3.
Variant type: single nucleotide variant.
Coding change: c.2776C>G on transcript NM_001040142.2 (MANE Select); coding-DNA position 2776, C replaced by G.
Protein change: p.His926Asp; replaces histidine 926 with aspartic acid.
Molecular consequence: missense variant.
Genome position (GRCh38, 1-based): chr2:165,344,768, C>G. VCF-style: chr2-165344768-C-G. GRCh37 (hg19) VCF-style: chr2-166201278-C-G.
Other names: c.2776C>G, p.His926Asp (NM_001040143.2, NM_001371246.1, NM_001371247.1 and 1 more transcripts); short protein forms H926D.
Identifiers: ClinVar variation 583388 (VCV000583388.2), dbSNP rs765106343, ClinGen allele CA349015468.

ClinVar aggregate classification (germline): Uncertain significance (1 of 4 stars; one submission).

Conditions:
Developmental and epileptic encephalopathy, 11 (DEE11). Also called: Early infantile epileptic encephalopathy 11. Identifiers: Orphanet 1934, MedGen C3150987, MONDO:0013388, OMIM 613721.
Seizures, benign familial infantile, 3 (BFIS3). Also called: Familial neonatal seizures; CONVULSIONS, BENIGN FAMILIAL INFANTILE, 3. Identifiers: Orphanet 140927, Orphanet 306, MedGen C1843140, MONDO:0011904, OMIM 607745.

Submission:

Labcorp Genetics (formerly Invitae), Labcorp
Classification: Uncertain significance for Benign familial neonatal-infantile seizures; Early infantile epileptic encephalopathy 11. Last evaluated: 2019-07-10. Review status: criteria provided, single submitter. Criteria: Invitae Variant Classification Sherloc (09022015). Collection method: clinical testing. Allele origin: germline.
Comment: This sequence change replaces histidine with aspartic acid at codon 926 of the SCN2A protein (p.His926Asp). The histidine residue is highly conserved and there is a moderate physicochemical difference between histidine and aspartic acid. This variant is not present in population databases (ExAC no frequency). This variant has not been reported in the literature in individuals with SCN2A-related disease. Algorithms developed to predict the effect of missense changes on protein structure and function (SIFT, PolyPhen-2, Align-GVGD) all suggest that this variant is likely to be tolerated, but these predictions have not been confirmed by published functional studies and their clinical significance is uncertain. In summary, the available evidence is currently insufficient to determine the role of this variant in disease. Therefore, it has been classified as a Variant of Uncertain Significance.